The following is an entry in ClinVar:

ClinVar aggregate classification (germline): Uncertain significance (1 of 4 stars; one submission).

Conditions:
Landau-Kleffner syndrome (FESD). Also called: EPILEPSY, FOCAL, WITH SPEECH DISORDER AND WITH OR WITHOUT MENTAL RETARDATION; APHASIA, ACQUIRED, WITH EPILEPSY. Identifiers: Orphanet 1945, Orphanet 725, Orphanet 98818, MedGen C0282512, MONDO:0009509, OMIM 245570.

Submission:

Labcorp Genetics (formerly Invitae), Labcorp
Classification: Uncertain significance for Landau-Kleffner syndrome. Last evaluated: 2022-07-19. Review status: criteria provided, single submitter. Criteria: Invitae Variant Classification Sherloc (09022015). Collection method: clinical testing. Allele origin: germline.
Comment: In summary, the available evidence is currently insufficient to determine the role of this variant in disease. Therefore, it has been classified as a Variant of Uncertain Significance. Experimental studies and prediction algorithms are not available or were not evaluated, and the functional significance of this variant is currently unknown. ClinVar contains an entry for this variant (Variation ID: 1522166). This variant has not been reported in the literature in individuals affected with GRIN2A-related conditions. This variant is not present in population databases (gnomAD no frequency). This sequence change disrupts the translational stop signal of the GRIN2A mRNA. It is expected to extend the length of the GRIN2A protein by 9 additional amino acid residues.

NM_001134407.3(GRIN2A):c.4393del (p.Ter1465LysextTer?)

Gene: GRIN2A (glutamate ionotropic receptor NMDA type subunit 2A; minus strand). Cytogenetic location: 16p13.2.
Variant type: Deletion.
Coding change: c.4393del on transcript NM_001134407.3 (MANE Select); coding-DNA position 4393, one base deleted (T; older notation c.4393delT).
Protein change: p.Ter1465LysextTer?.
Molecular consequence: frameshift variant, stop lost. On other transcripts: 3 prime UTR variant (1).
Genome position (GRCh38, 1-based): chr16:9,763,151, A deleted on the plus strand (T on the coding strand, the reverse complement: GRIN2A is on the minus strand); the first of 3 consecutive A bases (chr16:9,763,151-9,763,153); deleting any one gives the same sequence. VCF-style (leftmost placement, unchanged base first): chr16-9763150-TA-T. GRCh37 (hg19) VCF-style: chr16-9857007-TA-T.
Other names: c.4393del, p.Ter1465LysextTer? (NM_000833.5); c.*204del (NM_001134408.2).
Identifiers: ClinVar variation 1522166 (VCV001522166.6), dbSNP rs2141124456, ClinGen allele CA2573152111.